The following is an entry in ClinVar:

NM_001023.4(RPS20):c.104-20_104-19del

Gene: RPS20 (ribosomal protein S20; minus strand). Cytogenetic location: 8q12.1.
Variant type: Microsatellite.
Coding change: c.104-20_104-19del on transcript NM_001023.4 (MANE Select); 20 bases into the intron before coding-DNA position 104 through 19 bases into the intron before coding-DNA position 104, 2 bases deleted (AG; older notation c.104-20_104-19delAG).
Molecular consequence: intron variant.
Genome position (GRCh38, 1-based): chr8:56,073,787-56,073,788, CT deleted on the plus strand (AG on the coding strand, the reverse complement: RPS20 is on the minus strand); deleting any 2 consecutive bases within chr8:56,073,787-56,073,791 gives the same sequence; the c. name uses the placement nearest the transcript's 3' end. VCF-style (leftmost placement, unchanged base first): chr8-56073786-CCT-C. GRCh37 (hg19) VCF-style: chr8-56986345-CCT-C.
Other names: c.104-20_104-19del (NM_001146227.3).
Identifiers: ClinVar variation 5042362 (VCV005042362.1).

ClinVar aggregate classification (germline): Benign (1 of 4 stars; one submission).

Conditions:
Familial colorectal cancer type X. Identifiers: Orphanet 440437, MedGen C3896578, MONDO:0018604.

Submission:

Myriad Genetics, Inc.
Classification: Benign for Familial colorectal cancer type X. Last evaluated: 2026-08-03. Review status: criteria provided, single submitter. Criteria: Myriad Autosomal Dominant, Autosomal Recessive and X-Linked Classification Criteria (2023). Collection method: clinical testing. Allele origin: unknown.
Comment: This variant is considered benign. This variant is intronic and is not expected to impact mRNA splicing.